The following is an entry in ClinVar:

ClinVar aggregate classification (germline): Benign. Review status: criteria provided, single submitter (1 of 4 stars). 2 submissions from 2 submitters: Benign (1). 1 of the submissions does not count toward it. Last evaluated 2024-05-08.

Conditions:
NDUFAF1-related disorder. Also called: NDUFAF1-related condition.

Allele frequency attached by ClinVar (database versions not stated): gnomAD below 0.00001 and 0.00005; TOPMed 0.00002; 1000 Genomes Project 30x 0.00016; 1000 Genomes Project 0.00020; gnomAD exomes 0.00024; ExAC 0.00029.
gnomAD v4.1: 176 of 1,613,942 alleles (0.011%); highest among the groups gnomAD compares: South Asian, 0.18%; no homozygotes.

Submissions (2):

Labcorp Genetics (formerly Invitae), Labcorp
Classification: Benign. Last evaluated: 2024-05-08. Review status: criteria provided, single submitter. Criteria: Invitae Variant Classification Sherloc (09022015). Collection method: clinical testing. Allele origin: germline.

PreventionGenetics, part of Exact Sciences
Classification: Likely benign for NDUFAF1-related condition. Last evaluated: 2020-03-03. Review status: no assertion criteria provided. Collection method: clinical testing. Allele origin: germline. Not counted in ClinVar's aggregate classification.
Comment: This variant is classified as likely benign based on ACMG/AMP sequence variant interpretation guidelines (Richards et al. 2015 PMID: 25741868, with internal and published modifications).

NM_016013.4(NDUFAF1):c.147C>T (p.Ala49=)

Gene: NDUFAF1 (NADH:ubiquinone oxidoreductase complex assembly factor 1; minus strand). Cytogenetic location: 15q15.1.
Variant type: single nucleotide variant.
Coding change: c.147C>T on transcript NM_016013.4 (MANE Select); coding-DNA position 147, C replaced by T.
Protein change: p.Ala49=; no amino-acid change (alanine 49 retained).
Molecular consequence: synonymous variant. On other transcripts: non-coding transcript variant (1).
Genome position (GRCh38, 1-based): chr15:41,396,913, G>A on the plus strand (C>T on the coding strand, the complement: NDUFAF1 is on the minus strand). VCF-style: chr15-41396913-G-A. GRCh37 (hg19) VCF-style: chr15-41689111-G-A.
Identifiers: ClinVar variation 794640 (VCV000794640.7), dbSNP rs531348866, ClinGen allele CA7491389.